The following is an entry in ClinVar:

NM_173660.5(DOK7):c.1009G>A (p.Asp337Asn)

Gene: DOK7 (docking protein 7; plus strand). Cytogenetic location: 4p16.3.
Variant type: single nucleotide variant.
Coding change: c.1009G>A on transcript NM_173660.5 (MANE Select); coding-DNA position 1009, G replaced by A.
Protein change: p.Asp337Asn; replaces aspartic acid 337 with asparagine.
Molecular consequence: missense variant. On other transcripts: 3 prime UTR variant (1).
Genome position (GRCh38, 1-based): chr4:3,492,995, G>A. VCF-style: chr4-3492995-G-A. GRCh37 (hg19) VCF-style: chr4-3494722-G-A.
Other names: c.*230G>A (NM_001164673.2); c.79G>A, p.Asp27Asn (NM_001256896.2); c.1009G>A, p.Asp337Asn (NM_001301071.2); c.577G>A, p.Asp193Asn (NM_001363811.2); short protein forms D27N, D337N, D193N.
Identifiers: ClinVar variation 1488314 (VCV001488314.6), dbSNP rs2109418165, ClinGen allele CA356117172.
Genomic context (GRCh38, chr4:3,492,995, plus strand): 5'-CCACCCCCCAAGCCGCTGCGTCCGCGGCAGCTGCAGGAGGTTGGCCGCCAGAGCTCCTCG[G>A]ACAGCGGCATCGCCACTGGCAGCCACTCCTCTTACTCCAGCAGCCTCTCGTCCTACGCGG-3'
Protein context (NP_775931.3, residues 327-347): LQEVGRQSSS[Asp337Asn]SGIATGSHSS

ClinVar aggregate classification (germline): Uncertain significance (1 of 4 stars; one submission).

Conditions:
Congenital myasthenic syndrome 10. Also called: Myasthenia, limb-girdle, familial. Identifiers: Orphanet 590, MedGen C1850792, MONDO:0009690, OMIM 254300.
Fetal akinesia deformation sequence 1 (FADS1). Also called: Fetal akinesia sequence; Pena-Shokeir syndrome type I. Identifiers: Orphanet 994, MedGen C1276035, MONDO:0100101, OMIM 208150, HP:0001989.

Submission:

Labcorp Genetics (formerly Invitae), Labcorp
Classification: Uncertain significance for Congenital myasthenic syndrome 10; Fetal akinesia deformation sequence 1. Last evaluated: 2021-09-25. Review status: criteria provided, single submitter. Criteria: Invitae Variant Classification Sherloc (09022015). Collection method: clinical testing. Allele origin: germline.
Comment: In summary, the available evidence is currently insufficient to determine the role of this variant in disease. Therefore, it has been classified as a Variant of Uncertain Significance. Algorithms developed to predict the effect of missense changes on protein structure and function are either unavailable or do not agree on the potential impact of this missense change (SIFT: "Deleterious"; PolyPhen-2: "Probably Damaging"; Align-GVGD: "Class C15"). This variant has not been reported in the literature in individuals affected with DOK7-related conditions. The frequency data for this variant in the population databases is considered unreliable, as metrics indicate insufficient coverage at this position in the ExAC database. This sequence change replaces aspartic acid with asparagine at codon 337 of the DOK7 protein (p.Asp337Asn). The aspartic acid residue is highly conserved and there is a small physicochemical difference between aspartic acid and asparagine.